The following is an entry in ClinVar:

NM_006796.3(AFG3L2):c.-32C>T

Gene: AFG3L2 (AFG3 like matrix AAA peptidase subunit 2; minus strand). Cytogenetic location: 18p11.21.
Variant type: single nucleotide variant.
Coding change: c.-32C>T on transcript NM_006796.3 (MANE Select); 32 bases upstream of the start codon, C replaced by T.
Molecular consequence: 5 prime UTR variant.
Genome position (GRCh38, 1-based): chr18:12,377,114, G>A on the plus strand (C>T on the coding strand, the complement: AFG3L2 is on the minus strand). VCF-style: chr18-12377114-G-A. GRCh37 (hg19) VCF-style: chr18-12377113-G-A.
Identifiers: ClinVar variation 136317 (VCV000136317.6), dbSNP rs556432963, ClinGen allele CA289325.

ClinVar aggregate classification (germline): Benign. Review status: criteria provided, multiple submitters, no conflicts (2 of 4 stars). 3 submissions from 3 submitters: Benign (3). Last evaluated 2018-01-12.

Conditions:
Spinocerebellar ataxia type 28 (SCA28). Also called: Spinocerebellar Ataxia Type 28 (SCA28). Identifiers: Orphanet 101109, MedGen C1853249, MONDO:0012450, OMIM 610246.

Allele frequency attached by ClinVar (database versions not stated): gnomAD 0.00133 and 0.00160; TOPMed 0.00142; 1000 Genomes Project 30x 0.00156; 1000 Genomes Project 0.00180; gnomAD exomes 0.00190 and 0.00519; ExAC 0.00999.
gnomAD v4.1: 2,556 of 1,352,544 alleles (0.19%); highest among the groups gnomAD compares: Middle Eastern, 0.96%; 18 homozygotes.

Submissions (3):

Illumina Laboratory Services, Illumina
Classification: Benign for Spinocerebellar ataxia type 28. Last evaluated: 2018-01-12. Review status: criteria provided, single submitter. Criteria: ICSL Variant Classification Criteria 13 December 2019. Collection method: clinical testing. Allele origin: germline.
Comment: This variant was observed in the ICSL laboratory as part of a predisposition screen in an ostensibly healthy population. It had not been previously curated by ICSL or reported in the Human Gene Mutation Database (HGMD: prior to June 1st, 2018), and was therefore a candidate for classification through an automated scoring system. Utilizing variant allele frequency, disease prevalence and penetrance estimates, and inheritance mode, an automated score was calculated to assess if this variant is too frequent to cause the disease. Based on the score and internal cut-off values, a variant classified as benign is not then subjected to further curation. The score for this variant resulted in a classification of benign for this disease.

GeneDx
Classification: Benign. Last evaluated: 2014-06-02. Review status: criteria provided, single submitter. Criteria: GeneDx Variant Classification (06012015). Collection method: clinical testing. Allele origin: germline. Affected: yes.
Comment: This variant is considered likely benign or benign based on one or more of the following criteria: it is a conservative change, it occurs at a poorly conserved position in the protein, it is predicted to be benign by multiple in silico algorithms, and/or has population frequency not consistent with disease.

Breakthrough Genomics
Classification: Benign. Review status: criteria provided, single submitter. Criteria: ACMG Guidelines, 2015. Collection method: not provided. Allele origin: germline. Inheritance: Autosomal recessive inheritance. Affected: yes.